The following is an entry in ClinVar:

NM_021926.4(ALX4):c.963C>T (p.Cys321=)

Gene: ALX4 (ALX homeobox 4; minus strand). Cytogenetic location: 11p11.2.
Variant type: single nucleotide variant.
Coding change: c.963C>T on transcript NM_021926.4 (MANE Select); coding-DNA position 963, C replaced by T.
Protein change: p.Cys321=; no amino-acid change (cysteine 321 retained).
Molecular consequence: synonymous variant.
Genome position (GRCh38, 1-based): chr11:44,265,127, G>A on the plus strand (C>T on the coding strand, the complement: ALX4 is on the minus strand). VCF-style: chr11-44265127-G-A. GRCh37 (hg19) VCF-style: chr11-44286677-G-A.
Identifiers: ClinVar variation 3035610 (VCV003035610.3), dbSNP rs561018820, ClinGen allele CA5955564.
Genomic context (GRCh38, chr11:44,265,127, plus strand): 5'-AGAGCCAGGGGGGTGGGCATGAGGGGACATGCAGGCAGGCACCGGGTCGCAGGGGACCAC[G>A]CAGGCTGGCACTGGTGAGGCAGCCCCGTTGTTGCCGAGCCAGGACGGGTTCTGAATCTGG-3'
Protein context (NP_068745.2, residues 311-331): NNGAASPVPA[Cys321=]VVPCDPVPAC

ClinVar aggregate classification (germline): Likely benign. Review status: criteria provided, single submitter (1 of 4 stars). 2 submissions from 2 submitters: Likely benign (1). 1 of the submissions does not count toward it. Last evaluated 2024-03-19.

Conditions:
ALX4-related disorder. Also called: ALX4-related condition.

Allele frequency attached by ClinVar (database versions not stated): TOPMed 0.00008; gnomAD exomes 0.00009; ExAC 0.00010; gnomAD 0.00011; 1000 Genomes Project 30x 0.00016; 1000 Genomes Project 0.00020.
gnomAD v4.1: 158 of 1,610,666 alleles (0.0098%); highest among the groups gnomAD compares: Middle Eastern, 0.05%; no homozygotes.

Submissions (2):

Blueprint Genetics
Classification: Likely benign. Last evaluated: 2024-03-19. Review status: criteria provided, single submitter. Criteria: ACMG Guidelines, 2015. Collection method: clinical testing. Allele origin: germline.

PreventionGenetics, part of Exact Sciences
Classification: Likely benign for ALX4-related condition. Last evaluated: 2019-08-09. Review status: no assertion criteria provided. Collection method: clinical testing. Allele origin: germline. Not counted in ClinVar's aggregate classification.
Comment: This variant is classified as likely benign based on ACMG/AMP sequence variant interpretation guidelines (Richards et al. 2015 PMID: 25741868, with internal and published modifications).